The following is an entry in ClinVar:

ClinVar aggregate classification (germline): Uncertain significance. Review status: criteria provided, multiple submitters, no conflicts (2 of 4 stars). 2 submissions from 2 submitters: Uncertain significance (2). Last evaluated 2022-08-08.

Conditions:
Inborn genetic diseases. Identifiers: MedGen C0950123, MeSH D030342.

Allele frequency attached by ClinVar (database versions not stated): gnomAD 0.00001; TOPMed 0.00002; ExAC 0.00003; gnomAD exomes 0.00004.

Submissions (2):

Labcorp Genetics (formerly Invitae), Labcorp
Classification: Uncertain significance. Last evaluated: 2022-08-08. Review status: criteria provided, single submitter. Criteria: Invitae Variant Classification Sherloc (09022015). Collection method: clinical testing. Allele origin: germline.
Comment: In summary, the available evidence is currently insufficient to determine the role of this variant in disease. Therefore, it has been classified as a Variant of Uncertain Significance. Algorithms developed to predict the effect of missense changes on protein structure and function (SIFT, PolyPhen-2, Align-GVGD) all suggest that this variant is likely to be disruptive. This variant has not been reported in the literature in individuals affected with FARSB-related conditions. This variant is present in population databases (rs775638008, gnomAD 0.02%). This sequence change replaces arginine, which is basic and polar, with cysteine, which is neutral and slightly polar, at codon 127 of the FARSB protein (p.Arg127Cys).

Ambry Genetics
Classification: Uncertain significance for Inborn genetic diseases. Last evaluated: 2022-05-05. Review status: criteria provided, single submitter. Criteria: Ambry Variant Classification Scheme 2023. Collection method: clinical testing. Allele origin: germline.

NM_005687.5(FARSB):c.379C>T (p.Arg127Cys)

Gene: FARSB (phenylalanyl-tRNA synthetase subunit beta; minus strand). Cytogenetic location: 2q36.1.
Variant type: single nucleotide variant.
Coding change: c.379C>T on transcript NM_005687.5 (MANE Select); coding-DNA position 379, C replaced by T.
Protein change: p.Arg127Cys; replaces arginine 127 with cysteine.
Molecular consequence: missense variant. On other transcripts: non-coding transcript variant (1).
Genome position (GRCh38, 1-based): chr2:222,639,656, G>A on the plus strand (C>T on the coding strand, the complement: FARSB is on the minus strand). VCF-style: chr2-222639656-G-A. GRCh37 (hg19) VCF-style: chr2-223504375-G-A.
Other names: short protein forms R127C.
Identifiers: ClinVar variation 2084597 (VCV002084597.5), dbSNP rs775638008, ClinGen allele CA2136676.